The following is an entry in ClinVar:

NM_001267550.2(TTN):c.12307T>C (p.Leu4103=)

Gene: TTN (titin; minus strand). Cytogenetic location: 2q31.2.
Variant type: single nucleotide variant.
Coding change: c.12307T>C on transcript NM_001267550.2 (MANE Select); coding-DNA position 12307, T replaced by C.
Protein change: p.Leu4103=; no amino-acid change (leucine 4103 retained).
Molecular consequence: synonymous variant. On other transcripts: intron variant (1).
Genome position (GRCh38, 1-based): chr2:178,740,926, A>G on the plus strand (T>C on the coding strand, the complement: TTN is on the minus strand). VCF-style: chr2-178740926-A-G. GRCh37 (hg19) VCF-style: chr2-179605653-A-G.
Other names: p.L3786L:TTG>CTG; c.11356T>C, p.Leu3786= (NM_001256850.1); c.11218T>C, p.Leu3740= (NM_003319.4); c.11593T>C, p.Leu3865= (NM_133432.3); c.11794T>C, p.Leu3932= (NM_133437.4); c.10361-2566T>C (NM_133378.4).
Identifiers: ClinVar variation 137835 (VCV000137835.21), dbSNP rs587780988, ClinGen allele CA291524.

ClinVar aggregate classification (germline): Conflicting classifications of pathogenicity. Review status: criteria provided, conflicting classifications (1 of 4 stars). 4 submissions from 4 submitters: Uncertain significance (1); Benign (1); Likely benign (2). Last evaluated 2025-08-20.

Conditions:
Autosomal recessive limb-girdle muscular dystrophy type 2J (LGMDR10). Also called: Limb-girdle muscular dystrophy, type 2J; MUSCULAR DYSTROPHY, LIMB-GIRDLE, AUTOSOMAL RECESSIVE 10. Identifiers: Orphanet 140922, MedGen C1837342, MONDO:0012127, OMIM 608807.
Dilated cardiomyopathy 1G (CMD1G). Identifiers: Orphanet 154, MedGen C1858763, MONDO:0011400, OMIM 604145.

Allele frequency attached by ClinVar (database versions not stated): gnomAD exomes below 0.00001 and 0.00001; TOPMed 0.00002.
gnomAD v4.1: 5 of 1,613,944 alleles (0.00031%); highest among the groups gnomAD compares: East Asian, 0.0022%; no homozygotes.

Submissions (4):

Labcorp Genetics (formerly Invitae), Labcorp
Classification: Likely benign for Dilated cardiomyopathy 1G; Autosomal recessive limb-girdle muscular dystrophy type 2J. Last evaluated: 2025-08-20. Review status: criteria provided, single submitter. Criteria: Invitae Variant Classification Sherloc (09022015). Collection method: clinical testing. Allele origin: germline.

CeGaT Center for Human Genetics Tuebingen
Classification: Likely benign. Last evaluated: 2025-07-01. Review status: criteria provided, single submitter. Criteria: CeGaT Center For Human Genetics Tuebingen Variant Classification Criteria Version 2. Collection method: clinical testing. Allele origin: germline. Affected: yes. Observed: 1 variant allele.
Comment: TTN: BP4, BP7

Eurofins Ntd Llc (ga)
Classification: Uncertain significance. Last evaluated: 2017-01-11. Review status: criteria provided, single submitter. Criteria: EGL Classification Definitions 2015. Collection method: clinical testing. Allele origin: germline. Observed: 1 variant allele, 1 heterozygote.

GeneDx
Classification: Benign. Last evaluated: 2014-03-26. Review status: criteria provided, single submitter. Criteria: GeneDx Variant Classification (06012015). Collection method: clinical testing. Allele origin: germline. Affected: yes.
Comment: This variant is considered likely benign or benign based on one or more of the following criteria: it is a conservative change, it occurs at a poorly conserved position in the protein, it is predicted to be benign by multiple in silico algorithms, and/or has population frequency not consistent with disease.